The following is an entry in ClinVar:

NM_133259.4(LRPPRC):c.1426A>G (p.Thr476Ala)

Gene: LRPPRC (leucine rich pentatricopeptide repeat containing; minus strand). Cytogenetic location: 2p21.
Variant type: single nucleotide variant.
Coding change: c.1426A>G on transcript NM_133259.4 (MANE Select); coding-DNA position 1426, A replaced by G.
Protein change: p.Thr476Ala; replaces threonine 476 with alanine.
Molecular consequence: missense variant.
Genome position (GRCh38, 1-based): chr2:43,963,650, T>C on the plus strand (A>G on the coding strand, the complement: LRPPRC is on the minus strand). VCF-style: chr2-43963650-T-C. GRCh37 (hg19) VCF-style: chr2-44190789-T-C.
Other names: p.T476A:ACA>GCA; short protein forms T476A.
Identifiers: ClinVar variation 214606 (VCV000214606.67), dbSNP rs115507225, ClinGen allele CA320267.
Genomic context (GRCh38, chr2:43,963,650, plus strand): 5'-GCAAAATGGCTCGTGCTGAGTTTACACTATCAAAGCATGGAATCACATAATCTGTATATG[T>C]TTCCTGATCAGGATGTACTCCCAATTCTTGCATTCCTTTGAGGATTTCAATTATACCTAC-3'
Protein context (NP_573566.2, residues 466-486): QELGVHPDQE[Thr476Ala]YTDYVIPCFD

ClinVar aggregate classification (germline): Conflicting classifications of pathogenicity. Review status: criteria provided, conflicting classifications (1 of 4 stars). 10 submissions from 10 submitters: Uncertain significance (4); Likely benign (1). 5 of the submissions do not count toward it. Last evaluated 2026-01-26.

Conditions:
LRPPRC-related disorder. Also called: LRPPRC-related condition.
Congenital lactic acidosis, Saguenay-Lac-Saint-Jean type (MC4DN5). Also called: MITOCHONDRIAL COMPLEX IV DEFICIENCY, NUCLEAR TYPE 5; CYTOCHROME c OXIDASE DEFICIENCY, FRENCH CANADIAN TYPE; COX DEFICIENCY, FRENCH CANADIAN TYPE. Identifiers: Orphanet 70472, MedGen C1857355, MONDO:0009069, OMIM 220111.

Allele frequency attached by ClinVar (database versions not stated): 1000 Genomes Project 30x 0.00047; 1000 Genomes Project 0.00060; TOPMed 0.00062; gnomAD 0.00066 and 0.00069; gnomAD exomes 0.00092 and 0.00117; ExAC 0.00113; ESP Exome Variant Server 0.00154.
gnomAD v4.1: 1,779 of 1,612,800 alleles (0.11%); highest among the groups gnomAD compares: Non-Finnish European, 0.14%; no homozygotes.

Submissions (10):

Labcorp Genetics (formerly Invitae), Labcorp
Classification: Likely benign. Last evaluated: 2026-01-26. Review status: criteria provided, single submitter. Criteria: Invitae Variant Classification Sherloc (09022015). Collection method: clinical testing. Allele origin: germline.

GeneDx
Classification: Uncertain significance. Last evaluated: 2025-11-11. Review status: criteria provided, single submitter. Criteria: GeneDx Variant Classification Process June 2021. Collection method: clinical testing. Allele origin: germline. Affected: yes.
Comment: Has not been previously published as pathogenic or benign to our knowledge; In silico analysis supports that this missense variant has a deleterious effect on protein structure/function

Blueprint Genetics
Classification: Uncertain significance. Last evaluated: 2024-11-15. Review status: criteria provided, single submitter. Criteria: ACMG Guidelines, 2015. Collection method: clinical testing. Allele origin: germline.

CeGaT Center for Human Genetics Tuebingen
Classification: Uncertain significance. Last evaluated: 2019-07-01. Review status: criteria provided, single submitter. Criteria: CeGaT Center For Human Genetics Tuebingen Variant Classification Criteria Version 2. Collection method: clinical testing. Allele origin: germline. Affected: yes. Observed: 1 variant allele.

Illumina Laboratory Services, Illumina
Classification: Uncertain significance for Congenital lactic acidosis, Saguenay-Lac-Saint-Jean type. Last evaluated: 2018-01-13. Review status: criteria provided, single submitter. Criteria: ICSL Variant Classification Criteria 13 December 2019. Collection method: clinical testing. Allele origin: germline.

PreventionGenetics, part of Exact Sciences
Classification: Likely benign for LRPPRC-related condition. Last evaluated: 2022-08-21. Review status: no assertion criteria provided. Collection method: clinical testing. Allele origin: germline. Not counted in ClinVar's aggregate classification.
Comment: This variant is classified as likely benign based on ACMG/AMP sequence variant interpretation guidelines (Richards et al. 2015 PMID: 25741868, with internal and published modifications).

Natera, Inc.
Classification: Uncertain significance for French-Canadian type Leigh syndrome. Last evaluated: 2020-09-16. Review status: no assertion criteria provided. Collection method: clinical testing. Allele origin: germline. Not counted in ClinVar's aggregate classification.

Mayo Clinic Laboratories, Mayo Clinic
Classification: Uncertain significance. Last evaluated: 2016-02-24. Review status: no assertion criteria provided. Collection method: clinical testing. Allele origin: unknown. Not counted in ClinVar's aggregate classification.

Clinical Genetics DNA and cytogenetics Diagnostics Lab, Erasmus MC, Erasmus Medical Center
Classification: Uncertain significance. Review status: no assertion criteria provided. Collection method: clinical testing. Allele origin: germline. Affected: yes. Study: VKGL Data-share Consensus. Not counted in ClinVar's aggregate classification.

Diagnostic Laboratory, Department of Genetics, University Medical Center Groningen
Classification: Uncertain significance. Review status: no assertion criteria provided. Collection method: clinical testing. Allele origin: germline. Affected: yes. Study: VKGL Data-share Consensus. Not counted in ClinVar's aggregate classification.